The following is an entry in ClinVar:

NM_007294.4(BRCA1):c.244C>T (p.Leu82Phe)

Gene: BRCA1 (BRCA1 DNA repair associated; minus strand). Cytogenetic location: 17q21.31.
Variant type: single nucleotide variant.
Coding change: c.244C>T on transcript NM_007294.4 (MANE Select); coding-DNA position 244, C replaced by T.
Protein change: p.Leu82Phe; replaces leucine 82 with phenylalanine.
Molecular consequence: missense variant. On other transcripts: non-coding transcript variant (1).
Genome position (GRCh38, 1-based): chr17:43,104,925, G>A on the plus strand (C>T on the coding strand, the complement: BRCA1 is on the minus strand). VCF-style: chr17-43104925-G-A. GRCh37 (hg19) VCF-style: chr17-41256942-G-A.
Other names: c.244C>T, p.Leu82Phe (NM_001407645.1, NM_001407646.1, NM_001407647.1 and 168 more transcripts); c.166C>T, p.Leu56Phe (NM_001407653.1, NM_001407654.1, NM_001407655.1 and 21 more transcripts); c.103C>T, p.Leu35Phe (NM_001407692.1, NM_001407694.1, NM_001407695.1 and 99 more transcripts); c.34C>T, p.Leu12Phe (NM_001407853.1, NM_001407879.1, NM_001407881.1 and 58 more transcripts); c.-138C>T (NM_001407959.1, NM_001407960.1, NM_001407962.1 and 4 more transcripts); c.112C>T, p.Leu38Phe (NM_001408451.1); short protein forms L35F, L82F, L38F, L12F, L56F.
Identifiers: ClinVar variation 868803 (VCV000868803.4), dbSNP rs2054688287, ClinGen allele CA10601667.

ClinVar aggregate classification (germline): Uncertain significance (1 of 4 stars; one submission).

Conditions:
Hereditary breast ovarian cancer syndrome. Also called: Hereditary breast and ovarian cancer; Hereditary breast and ovarian cancer syndrome (HBOC); Breast and ovarian cancer; Hereditary breast and/or ovarian cancer syndrome; BRCA1- and BRCA2-Associated Hereditary Breast and Ovarian Cancer; Hereditary breast and ovarian cancer syndrome. Identifiers: Orphanet 145, MedGen C0677776, MeSH D061325, MONDO:0003582. Disease mechanism: loss of function.

Allele frequency attached by ClinVar (database versions not stated): gnomAD exomes below 0.00001.
gnomAD v4.1: 1 of 1,613,892 alleles (0.000062%); highest among the groups gnomAD compares: Non-Finnish European, 0.000085%; no homozygotes.

Submissions (2):

Labcorp Genetics (formerly Invitae), Labcorp
Classification: Uncertain significance for Hereditary breast ovarian cancer syndrome. Last evaluated: 2025-02-26. Review status: criteria provided, single submitter. Criteria: Invitae Variant Classification Sherloc (09022015). Collection method: clinical testing. Allele origin: germline.
Comment: This sequence change replaces leucine, which is neutral and non-polar, with phenylalanine, which is neutral and non-polar, at codon 82 of the BRCA1 protein (p.Leu82Phe). This variant is not present in population databases (gnomAD no frequency). This variant has not been reported in the literature in individuals affected with BRCA1-related conditions. ClinVar contains an entry for this variant (Variation ID: 868803). Invitae Evidence Modeling incorporating data from in vitro experimental studies (PMID: 30209399) indicates that this missense variant is expected to disrupt BRCA1 function with a positive predictive value of 95%. Experimental studies are conflicting or provide insufficient evidence to determine the effect of this variant on BRCA1 function (PMID: 25823446, 30209399). Algorithms developed to predict the effect of sequence changes on RNA splicing suggest that this variant may disrupt the consensus splice site. In summary, the available evidence is currently insufficient to determine the role of this variant in disease. Therefore, it has been classified as a Variant of Uncertain Significance.

Brotman Baty Institute, University of Washington
No classification provided (evidence only). Condition: Breast-ovarian cancer, familial 1. Review status: no classification provided. Collection method: in vitro. Allele origin: not applicable. Functional consequence: functionally_abnormal. Not counted in ClinVar's aggregate classification.
ClinVar note: "not provided" was previously submitted as the classification for the variant. However, the classification appeared to be based only on an observation of functional data so it was converted to no classification on 2025-07-30.

Literature cited by the submitters: PubMed 30209399 (cited by Labcorp Genetics (formerly Invitae), Labcorp); PubMed 25823446 (cited by Labcorp Genetics (formerly Invitae), Labcorp).